The following is an entry in ClinVar:

NM_182931.3(KMT2E):c.5530G>C (p.Val1844Leu)

Gene: KMT2E (lysine methyltransferase 2E (inactive); plus strand). Cytogenetic location: 7q22.3.
Variant type: single nucleotide variant.
Coding change: c.5530G>C on transcript NM_182931.3 (MANE Select); coding-DNA position 5530, G replaced by C.
Protein change: p.Val1844Leu; replaces valine 1844 with leucine.
Molecular consequence: missense variant.
Genome position (GRCh38, 1-based): chr7:105,113,286, G>C. VCF-style: chr7-105113286-G-C. GRCh37 (hg19) VCF-style: chr7-104753733-G-C.
Other names: c.5404G>C, p.Val1802Leu (NM_001410908.1); c.5530G>C, p.Val1844Leu (NM_018682.4); short protein forms V1802L, V1844L.
Identifiers: ClinVar variation 2868087 (VCV002868087.2), dbSNP rs1799413247, ClinGen allele CA368795376.

ClinVar aggregate classification (germline): Uncertain significance (1 of 4 stars; one submission).

Allele frequency attached by ClinVar (database versions not stated): TOPMed below 0.00001; gnomAD 0.00001.
gnomAD v4.1: 1 of 1,613,626 alleles (0.000062%); highest among the groups gnomAD compares: Admixed American, 0.0017%; no homozygotes.

Submission:

Labcorp Genetics (formerly Invitae), Labcorp
Classification: Uncertain significance. Last evaluated: 2025-02-24. Review status: criteria provided, single submitter. Criteria: Invitae Variant Classification Sherloc (09022015). Collection method: clinical testing. Allele origin: germline.
Comment: This sequence change replaces valine, which is neutral and non-polar, with leucine, which is neutral and non-polar, at codon 1844 of the KMT2E protein (p.Val1844Leu). This variant is not present in population databases (gnomAD no frequency). This variant has not been reported in the literature in individuals affected with KMT2E-related conditions. ClinVar contains an entry for this variant (Variation ID: 2868087). An algorithm developed to predict the effect of missense changes on protein structure and function (PolyPhen-2) suggests that this variant is likely to be tolerated. In summary, the available evidence is currently insufficient to determine the role of this variant in disease. Therefore, it has been classified as a Variant of Uncertain Significance.